The following is an entry in ClinVar:

NM_002524.5(NRAS):c.*740G>A

Gene: NRAS (NRAS proto-oncogene, GTPase; minus strand). Cytogenetic location: 1p13.2.
Variant type: single nucleotide variant.
Coding change: c.*740G>A on transcript NM_002524.5 (MANE Select); 740 bases downstream of the stop codon, G replaced by A.
Molecular consequence: 3 prime UTR variant.
Genome position (GRCh38, 1-based): chr1:114,707,354, C>T on the plus strand (G>A on the coding strand, the complement: NRAS is on the minus strand). VCF-style: chr1-114707354-C-T. GRCh37 (hg19) VCF-style: chr1-115249975-C-T.
Identifiers: ClinVar variation 291969 (VCV000291969.5), dbSNP rs372008962, ClinGen allele CA10607692.

ClinVar aggregate classification (germline): Benign (1 of 4 stars; one submission).

Conditions:
Noonan syndrome 6 (NS6). Also called: NRAS-Related Noonan Syndrome. Identifiers: Orphanet 648, MedGen C2750732, MONDO:0013186, OMIM 613224.

Allele frequency attached by ClinVar (database versions not stated): gnomAD 0.00007 and 0.00120; TOPMed 0.00028; 1000 Genomes Project 30x 0.00640; 1000 Genomes Project 0.00659.

Submission:

Illumina Laboratory Services, Illumina
Classification: Benign for Noonan syndrome 6. Last evaluated: 2018-01-13. Review status: criteria provided, single submitter. Criteria: ICSL Variant Classification Criteria 13 December 2019. Collection method: clinical testing. Allele origin: germline.
Comment: This variant was observed in the ICSL laboratory as part of a predisposition screen in an ostensibly healthy population. It had not been previously curated by ICSL or reported in the Human Gene Mutation Database (HGMD: prior to June 1st, 2018), and was therefore a candidate for classification through an automated scoring system. Utilizing variant allele frequency, disease prevalence and penetrance estimates, and inheritance mode, an automated score was calculated to assess if this variant is too frequent to cause the disease. Based on the score and internal cut-off values, a variant classified as benign is not then subjected to further curation. The score for this variant resulted in a classification of benign for this disease.